The following is an entry in ClinVar:

ClinVar aggregate classification (germline): Pathogenic (1 of 4 stars; one submission).

Submission:

Labcorp Genetics (formerly Invitae), Labcorp
Classification: Pathogenic. Last evaluated: 2023-06-28. Review status: criteria provided, single submitter. Criteria: Invitae Variant Classification Sherloc (09022015). Collection method: clinical testing. Allele origin: germline.
Comment: This variant is not present in population databases (gnomAD no frequency). This sequence change creates a premature translational stop signal (p.Pro24Serfs*38) in the DGAT1 gene. It is expected to result in an absent or disrupted protein product. Loss-of-function variants in DGAT1 are known to be pathogenic (PMID: 29604290). This variant has not been reported in the literature in individuals affected with DGAT1-related conditions. For these reasons, this variant has been classified as Pathogenic. Algorithms developed to predict the effect of sequence changes on RNA splicing suggest that this variant may disrupt the consensus splice site.

Literature cited by the submitters: PubMed 29604290.

NM_012079.6(DGAT1):c.70_122del (p.Pro24fs)

Genes: DGAT1 (diacylglycerol O-acyltransferase 1; minus strand), LOC130001385 (ATAC-STARR-seq lymphoblastoid silent region 19672; plus strand), LOC130001386 (ATAC-STARR-seq lymphoblastoid silent region 19673; plus strand). Cytogenetic location: 8q24.3.
Variant type: Deletion.
Coding change: c.70_122del on transcript NM_012079.6 (MANE Select); coding-DNA positions 70 to 122, 53 bases deleted.
Protein change: p.Pro24fs; shifts the reading frame from proline 24.
Molecular consequence: frameshift variant.
Genome position (GRCh38, 1-based): chr8:144,326,515-144,326,567, 53 bases deleted. GRCh37 (hg19): chr8:145,550,181-145,550,233.
Other names: short protein forms P24fs.
Identifiers: ClinVar variation 2881168 (VCV002881168.3), dbSNP rs2488972766, ClinGen allele CA2739269032.